The following is an entry in ClinVar:

NM_005476.7(GNE):c.548G>C (p.Cys183Ser)

Gene: GNE (glucosamine (UDP-N-acetyl)-2-epimerase/N-acetylmannosamine kinase; minus strand). Cytogenetic location: 9p13.3.
Variant type: single nucleotide variant.
Coding change: c.548G>C on transcript NM_005476.7 (MANE Select); coding-DNA position 548, G replaced by C.
Protein change: p.Cys183Ser; replaces cysteine 183 with serine.
Molecular consequence: missense variant.
Genome position (GRCh38, 1-based): chr9:36,246,099, C>G on the plus strand (G>C on the coding strand, the complement: GNE is on the minus strand). VCF-style: chr9-36246099-C-G. GRCh37 (hg19) VCF-style: chr9-36246096-C-G.
Other names: c.641G>C, p.Cys214Ser (NM_001128227.3); c.548G>C, p.Cys183Ser (NM_001190383.3, NM_001374797.1); c.371G>C, p.Cys124Ser (NM_001190384.3, NM_001190388.2, NM_001374798.1); short protein forms C183S, C214S, C124S.
Identifiers: ClinVar variation 2052862 (VCV002052862.2), dbSNP rs1220463521, ClinGen allele CA373418196.
Genomic context (GRCh38, chr9:36,246,099, plus strand): 5'-ATGCGAATGATGCTCATGTAGTCTTTGTTCTTGGCTGAGAGAAGTTTGTCATAGGAAGGG[C>G]AGCCTGCCAAAAGGATGCGATCATGGTCCTCACACATGGATATCAGGTGCTGCTCTGCAC-3'
Protein context (NP_005467.1, residues 173-193): EDHDRILLAG[Cys183Ser]PSYDKLLSAK

ClinVar aggregate classification (germline): Uncertain significance. Review status: criteria provided, multiple submitters, no conflicts (2 of 4 stars). 2 submissions from 2 submitters: Uncertain significance (2). Last evaluated 2025-12-22.

Conditions:
GNE myopathy (NM). Also called: INCLUSION BODY MYOPATHY, HEREDITARY, AUTOSOMAL RECESSIVE; INCLUSION BODY MYOPATHY 2, AUTOSOMAL RECESSIVE; MYOPATHY, DISTAL, WITH OR WITHOUT RIMMED VACUOLES; NONAKA DISTAL MYOPATHY; IBM 2; Inclusion body myopathy autosomal recessive. Identifiers: Orphanet 602, MedGen C1853926, MONDO:0011603, OMIM 605820.
Sialuria. Also called: Sialic Acid Storage Disease; SIALURIA, FRENCH TYPE. Identifiers: Orphanet 3166, MedGen C0342853, MONDO:0010028, OMIM 269921.

Allele frequency attached by ClinVar (database versions not stated): gnomAD exomes below 0.00001.
gnomAD v4.1: 2 of 1,614,210 alleles (0.00012%); highest among the groups gnomAD compares: Non-Finnish European, 0.00017%; no homozygotes.

Submissions (2):

Myriad Genetics, Inc.
Classification: Uncertain significance for GNE myopathy. Last evaluated: 2025-12-22. Review status: criteria provided, single submitter. Criteria: Myriad Autosomal Dominant, Autosomal Recessive and X-Linked Classification Criteria (2023). Collection method: clinical testing. Allele origin: unknown.
Comment: NM_001128227.2(GNE):c.641G>C(C214S) is a missense variant classified as a variant of uncertain significance in the context of GNE myopathy. C214S has been observed in a case with relevant disease (PMID: 39332896). Relevant functional assessments of this variant are not available in the literature. C214S has been observed in referenced population frequency databases. In summary, there is insufficient evidence to classify NM_001128227.2(GNE):c.641G>C(C214S) as pathogenic or benign. Please note: this variant was assessed in the context of healthy population screening.

Labcorp Genetics (formerly Invitae), Labcorp
Classification: Uncertain significance for Sialuria; GNE myopathy. Last evaluated: 2022-05-21. Review status: criteria provided, single submitter. Criteria: Invitae Variant Classification Sherloc (09022015). Collection method: clinical testing. Allele origin: germline.
Comment: This sequence change replaces cysteine, which is neutral and slightly polar, with serine, which is neutral and polar, at codon 214 of the GNE protein (p.Cys214Ser). This variant is present in population databases (no rsID available, gnomAD 0.0009%). This variant has not been reported in the literature in individuals affected with GNE-related conditions. Algorithms developed to predict the effect of missense changes on protein structure and function (SIFT, PolyPhen-2, Align-GVGD) all suggest that this variant is likely to be disruptive. In summary, the available evidence is currently insufficient to determine the role of this variant in disease. Therefore, it has been classified as a Variant of Uncertain Significance.

Literature cited by the submitters: PubMed 39332896 (cited by Myriad Genetics, Inc.).